The following is an entry in ClinVar:

NM_001042492.3(NF1):c.2123C>T (p.Ser708Phe)

Gene: NF1 (neurofibromin 1; plus strand). Cytogenetic location: 17q11.2.
Variant type: single nucleotide variant.
Coding change: c.2123C>T on transcript NM_001042492.3 (MANE Select); coding-DNA position 2123, C replaced by T.
Protein change: p.Ser708Phe; replaces serine 708 with phenylalanine.
Molecular consequence: missense variant.
Genome position (GRCh38, 1-based): chr17:31,226,556, C>T. VCF-style: chr17-31226556-C-T. GRCh37 (hg19) VCF-style: chr17-29553574-C-T.
Other names: c.2123C>T, p.Ser708Phe (NM_000267.4); short protein forms S708F.
Identifiers: ClinVar variation 561726 (VCV000561726.1), dbSNP rs1567847493, ClinGen allele CA398982307.

ClinVar aggregate classification (germline): Uncertain significance (1 of 4 stars; one submission).

Submission:

GeneDx
Classification: Uncertain significance. Last evaluated: 2018-01-31. Review status: criteria provided, single submitter. Criteria: GeneDx Variant Classification (06012015). Collection method: clinical testing. Allele origin: germline. Affected: yes.
Comment: This variant is denoted NF1 c.2123C>T at the cDNA level, p.Ser708Phe (S708F) at the protein level, and results in the change of a Serine to a Phenylalanine (TCC>TTC). This variant has not, to our knowledge, been published in the literature as pathogenic or benign. NF1 Ser708Phe was not observed in large population cohorts (Lek 2016). This variant is located in the GTPase activating protein domain (Luo 2014). In silico analysis, which includes protein predictors and evolutionary conservation, supports a deleterious effect. Based on currently available evidence, it is unclear whether NF1 Ser708Phe is a pathogenic or benign variant. We consider it to be a variant of uncertain significance.